The following is an entry in ClinVar:

NM_005428.4(VAV1):c.1744C>T (p.Arg582Cys)

Gene: VAV1 (vav guanine nucleotide exchange factor 1; plus strand). Cytogenetic location: 19p13.3.
Variant type: single nucleotide variant.
Coding change: c.1744C>T on transcript NM_005428.4 (MANE Select); coding-DNA position 1744, C replaced by T.
Protein change: p.Arg582Cys; replaces arginine 582 with cysteine.
Molecular consequence: missense variant.
Genome position (GRCh38, 1-based): chr19:6,833,920, C>T. VCF-style: chr19-6833920-C-T. GRCh37 (hg19) VCF-style: chr19-6833931-C-T.
Other names: c.1744C>T, p.Arg582Cys (NM_001258206.2); c.1648C>T, p.Arg550Cys (NM_001258207.2); short protein forms R550C, R582C.
Identifiers: ClinVar variation 2067216 (VCV002067216.5), dbSNP rs1280592299, ClinGen allele CA403629994.

ClinVar aggregate classification (germline): Uncertain significance. Review status: criteria provided, multiple submitters, no conflicts (2 of 4 stars). 2 submissions from 2 submitters: Uncertain significance (2). Last evaluated 2024-08-04.

Allele frequency attached by ClinVar (database versions not stated): gnomAD exomes 0.00001; TOPMed 0.00002.

Submissions (2):

Labcorp Genetics (formerly Invitae), Labcorp
Classification: Uncertain significance. Last evaluated: 2024-08-04. Review status: criteria provided, single submitter. Criteria: Invitae Variant Classification Sherloc (09022015). Collection method: clinical testing. Allele origin: germline.
Comment: This sequence change replaces arginine, which is basic and polar, with cysteine, which is neutral and slightly polar, at codon 582 of the VAV1 protein (p.Arg582Cys). This variant is present in population databases (no rsID available, gnomAD 0.002%). This variant has not been reported in the literature in individuals affected with VAV1-related conditions. ClinVar contains an entry for this variant (Variation ID: 2067216). An algorithm developed to predict the effect of missense changes on protein structure and function (PolyPhen-2) suggests that this variant is likely to be disruptive. In summary, the available evidence is currently insufficient to determine the role of this variant in disease. Therefore, it has been classified as a Variant of Uncertain Significance.

Ambry Genetics
Classification: Uncertain significance. Last evaluated: 2022-12-06. Review status: criteria provided, single submitter. Criteria: Ambry Variant Classification Scheme 2023. Collection method: clinical testing. Allele origin: germline.